The following is an entry in ClinVar:

ClinVar aggregate classification (germline): Pathogenic (1 of 4 stars; one submission).

Conditions:
Fanconi anemia (FA). Also called: Fanconi's anemia. Identifiers: Orphanet 84, MedGen C0015625, MeSH D005199, MONDO:0019391.

Submission:

Labcorp Genetics (formerly Invitae), Labcorp
Classification: Pathogenic for Fanconi anemia. Last evaluated: 2025-03-05. Review status: criteria provided, single submitter. Criteria: Invitae Variant Classification Sherloc (09022015). Collection method: clinical testing. Allele origin: germline.
Comment: This sequence change creates a premature translational stop signal (p.Leu805Valfs*16) in the FANCI gene. It is expected to result in an absent or disrupted protein product. Loss-of-function variants in FANCI are known to be pathogenic (PMID: 17452773, 17460694). This variant is not present in population databases (gnomAD no frequency). This variant has not been reported in the literature in individuals affected with FANCI-related conditions. ClinVar contains an entry for this variant (Variation ID: 2051543). For these reasons, this variant has been classified as Pathogenic.

Literature cited by the submitters: PubMed 17452773; PubMed 17460694.

NM_001113378.2(FANCI):c.2413_2414del (p.Leu805fs)

Gene: FANCI (FA complementation group I; plus strand). Cytogenetic location: 15q26.1.
Variant type: Deletion.
Coding change: c.2413_2414del on transcript NM_001113378.2 (MANE Select); coding-DNA positions 2413 to 2414, 2 bases deleted (TT; older notation c.2413_2414delTT).
Protein change: p.Leu805fs; shifts the reading frame from leucine 805.
Molecular consequence: frameshift variant.
Genome position (GRCh38, 1-based): chr15:89,293,954-89,293,955, TT deleted; deleting any 2 consecutive bases within chr15:89,293,952-89,293,955 gives the same sequence; the c. name uses the placement nearest the transcript's 3' end. VCF-style (leftmost placement, unchanged base first): chr15-89293951-CTT-C. GRCh37 (hg19) VCF-style: chr15-89837182-CTT-C.
Other names: c.2134_2135del, p.Leu712fs (NM_001376910.1); c.2413_2414del, p.Leu805fs (NM_001376911.1, NM_018193.3); short protein forms L712fs, L805fs.
Identifiers: ClinVar variation 2051543 (VCV002051543.4), dbSNP rs2507445293, ClinGen allele CA2575827954.